The following is an entry in ClinVar:

ClinVar aggregate classification (germline): Pathogenic. Review status: criteria provided, multiple submitters, no conflicts (2 of 4 stars). 7 submissions from 6 submitters: Pathogenic (4). 3 of the submissions do not count toward it. Last evaluated 2025-12-01.

Conditions:
Neurodevelopmental disorder with progressive spasticity and brain white matter abnormalities. Also called: CEREBRAL PALSY, SPASTIC QUADRIPLEGIC, 1. Identifiers: Orphanet 210141, Orphanet 641353, MedGen C5436628, MONDO:0033613, OMIM 619026.
Spastic paraplegia 83, autosomal recessive. Identifiers: Orphanet 631076, MedGen C5436637, MONDO:0033614, OMIM 619027.
Spastic paraplegia. Identifiers: MedGen C0037772, HP:0001258.
Spastic ataxia. Identifiers: Orphanet 316226, MedGen C1849156, MONDO:0017845, HP:0002497.

Allele frequency attached by ClinVar (database versions not stated): gnomAD 0.00001; gnomAD exomes 0.00001; TOPMed 0.00001.

Submissions (7):

CeGaT Center for Human Genetics Tuebingen
Classification: Pathogenic. Last evaluated: 2025-12-01. Review status: criteria provided, single submitter. Criteria: CeGaT Center For Human Genetics Tuebingen Variant Classification Criteria Version 2. Collection method: clinical testing. Allele origin: germline. Affected: yes. Observed: 5 variant alleles.
Comment: HPDL: PM3:Strong, PP1:Strong, PM1, PM2

Molecular Medicine for Neurodegenerative and Neuromuscular Diseases Unit, IRCCS Fondazione Stella Maris
Classification: Pathogenic for Spastic ataxia. Last evaluated: 2021-07-28. Review status: criteria provided, single submitter. Criteria: ACMG Guidelines, 2015. Collection method: research. Allele origin: inherited. Affected: yes.

Institute of Human Genetics Munich, TUM University Hospital
Classification: Pathogenic for Spastic paraplegia 83, autosomal recessive. Last evaluated: 2021-07-20. Review status: criteria provided, single submitter. Criteria: Classification criteria August 2017. Collection method: clinical testing. Allele origin: inherited. Inheritance: Autosomal recessive inheritance. Affected: yes. Observed: 1 variant allele.

Institute of Medical Genetics and Applied Genomics, University Hospital Tübingen
Classification: Pathogenic. Last evaluated: 2020-10-23. Review status: criteria provided, single submitter. Criteria: ACMG Guidelines, 2015. Collection method: clinical testing. Allele origin: germline. Inheritance: Unknown mechanism. Affected: yes.

OMIM
Classification: Pathogenic for SPASTIC PARAPLEGIA 83, AUTOSOMAL RECESSIVE. Last evaluated: 2025-05-21. Review status: no assertion criteria provided. Collection method: literature only. Allele origin: germline. Not counted in ClinVar's aggregate classification.

OMIM
Classification: Pathogenic for NEURODEVELOPMENTAL DISORDER WITH PROGRESSIVE SPASTICITY AND BRAIN WHITE MATTER ABNORMALITIES. Last evaluated: 2025-05-21. Review status: no assertion criteria provided. Collection method: literature only. Allele origin: germline. Not counted in ClinVar's aggregate classification.

Yale Center for Mendelian Genomics, Yale University
Classification: Likely pathogenic for Spastic paraplegia. Last evaluated: 2021-05-10. Review status: no assertion criteria provided. Collection method: literature only. Allele origin: germline. Affected: yes. Observed: 4 homozygotes. Study: Yale Center for Mendelian Genomics. Not counted in ClinVar's aggregate classification.

Literature cited by the submitters: PubMed 32707086 (cited by Institute of Human Genetics Munich, TUM University Hospital and OMIM); PubMed 33970200 (cited by OMIM and Yale Center for Mendelian Genomics, Yale University); PubMed 33188300 (cited by OMIM).

NM_032756.4(HPDL):c.149G>A (p.Gly50Asp)

Gene: HPDL (4-hydroxyphenylpyruvate dioxygenase like; plus strand). Cytogenetic location: 1p34.1.
Variant type: single nucleotide variant.
Coding change: c.149G>A on transcript NM_032756.4 (MANE Select); coding-DNA position 149, G replaced by A.
Protein change: p.Gly50Asp; replaces glycine 50 with aspartic acid.
Molecular consequence: missense variant.
Genome position (GRCh38, 1-based): chr1:45,327,297, G>A. VCF-style: chr1-45327297-G-A. GRCh37 (hg19) VCF-style: chr1-45792969-G-A.
Other names: short protein forms G50D.
Identifiers: ClinVar variation 979212 (VCV000979212.41), dbSNP rs1391712320, ClinGen allele CA340127806.